The following is an entry in ClinVar:

NM_001257.5(CDH13):c.477T>G (p.Val159=)

Gene: CDH13 (cadherin 13; plus strand). Cytogenetic location: 16q23.3.
Variant type: single nucleotide variant.
Coding change: c.477T>G on transcript NM_001257.5 (MANE Select); coding-DNA position 477, T replaced by G.
Protein change: p.Val159=; no amino-acid change (valine 159 retained).
Molecular consequence: synonymous variant. On other transcripts: 5 prime UTR variant (1), intron variant (1).
Genome position (GRCh38, 1-based): chr16:83,125,495, T>G. VCF-style: chr16-83125495-T-G. GRCh37 (hg19) VCF-style: chr16-83159100-T-G.
Other names: c.618T>G, p.Val206= (NM_001220488.2); c.-286T>G (NM_001220490.2); c.477T>G, p.Val159= (NM_001220491.2, NM_001220492.2); c.367-91850T>G (NM_001220489.2).
Identifiers: ClinVar variation 3057329 (VCV003057329.2), dbSNP rs537777339, ClinGen allele CA8196354.

ClinVar aggregate classification (germline): Likely benign (0 of 4 stars; one submission).

Conditions:
CDH13-related disorder. Also called: CDH13-related condition.

Allele frequency attached by ClinVar (database versions not stated): ExAC 0.00001; gnomAD 0.00001; TOPMed 0.00001; 1000 Genomes Project 30x 0.00016; 1000 Genomes Project 0.00020.
gnomAD v4.1: 8 of 1,570,880 alleles (0.00051%); highest among the groups gnomAD compares: South Asian, 0.0089%; no homozygotes.

Submission:

PreventionGenetics, part of Exact Sciences
Classification: Likely benign for CDH13-related condition. Last evaluated: 2019-04-04. Review status: no assertion criteria provided. Collection method: clinical testing. Allele origin: germline.
Comment: This variant is classified as likely benign based on ACMG/AMP sequence variant interpretation guidelines (Richards et al. 2015 PMID: 25741868, with internal and published modifications).